The following is an entry in ClinVar:

NM_001127208.3(TET2):c.3632G>A (p.Cys1211Tyr)

Genes: TET2 (tet methylcytosine dioxygenase 2; plus strand), TET2-AS1 (TET2 antisense RNA 1; minus strand). Cytogenetic location: 4q24.
Variant type: single nucleotide variant.
Coding change: c.3632G>A on transcript NM_001127208.3 (MANE Select); coding-DNA position 3632, G replaced by A.
Protein change: p.Cys1211Tyr; replaces cysteine 1211 with tyrosine.
Molecular consequence: missense variant.
Genome position (GRCh38, 1-based): chr4:105,243,607, G>A. VCF-style: chr4-105243607-G-A. GRCh37 (hg19) VCF-style: chr4-106164764-G-A.
Other names: short protein forms C1211Y.
Identifiers: ClinVar variation 2790788 (VCV002790788.3), dbSNP rs1268378481, ClinGen allele CA357804926.

ClinVar aggregate classification (germline): Uncertain significance (1 of 4 stars; one submission).

Allele frequency attached by ClinVar (database versions not stated): gnomAD exomes below 0.00001; gnomAD 0.00001; TOPMed 0.00001.
gnomAD v4.1: 5 of 1,551,550 alleles (0.00032%); highest among the groups gnomAD compares: African/African-American, 0.0014%; no homozygotes.

Submission:

Labcorp Genetics (formerly Invitae), Labcorp
Classification: Uncertain significance. Last evaluated: 2023-08-18. Review status: criteria provided, single submitter. Criteria: Invitae Variant Classification Sherloc (09022015). Collection method: clinical testing. Allele origin: germline.
Comment: In summary, the available evidence is currently insufficient to determine the role of this variant in disease. Therefore, it has been classified as a Variant of Uncertain Significance. An algorithm developed to predict the effect of missense changes on protein structure and function (PolyPhen-2) suggests that this variant is likely to be disruptive. This variant has not been reported in the literature in individuals affected with TET2-related conditions. This variant is not present in population databases (gnomAD no frequency). This sequence change replaces cysteine, which is neutral and slightly polar, with tyrosine, which is neutral and polar, at codon 1211 of the TET2 protein (p.Cys1211Tyr).